The following is an entry in ClinVar:

ClinVar aggregate classification (germline): Pathogenic (1 of 4 stars; one submission).

Conditions:
MHC class II deficiency. Also called: Bare lymphocyte syndrome 2; BLS, TYPE II. Identifiers: Orphanet 572, MedGen C5447452, MONDO:0008855.

Submission:

Labcorp Genetics (formerly Invitae), Labcorp
Classification: Pathogenic for MHC class II deficiency. Last evaluated: 2024-02-07. Review status: criteria provided, single submitter. Criteria: Invitae Variant Classification Sherloc (09022015). Collection method: clinical testing. Allele origin: germline.
Comment: This sequence change creates a premature translational stop signal (p.Ala803Profs*31) in the CIITA gene. It is expected to result in an absent or disrupted protein product. Loss-of-function variants in CIITA are known to be pathogenic (PMID: 8402893, 9099848, 26271388). This variant is not present in population databases (gnomAD no frequency). This variant has not been reported in the literature in individuals affected with CIITA-related conditions. For these reasons, this variant has been classified as Pathogenic.

Literature cited by the submitters: PubMed 8402893; PubMed 9099848; PubMed 26271388.

NM_000246.4(CIITA):c.2406_2437del (p.Ala803fs)

Gene: CIITA (class II major histocompatibility complex transactivator; plus strand). Cytogenetic location: 16p13.13.
Variant type: Deletion.
Coding change: c.2406_2437del on transcript NM_000246.4 (MANE Select); coding-DNA positions 2406 to 2437, 32 bases deleted.
Protein change: p.Ala803fs; shifts the reading frame from alanine 803.
Molecular consequence: frameshift variant. On other transcripts: intron variant (1).
Genome position (GRCh38, 1-based): chr16:10,907,898-10,907,929, 32 bases deleted; deleting any 32 consecutive bases within chr16:10,907,891-10,907,929 gives the same sequence; the c. name uses the placement nearest the transcript's 3' end. GRCh37 (hg19): chr16:11,001,755-11,001,786.
Other names: c.2409_2440del, p.Ala804fs (NM_001286402.1, NM_001379332.1); c.2262_2293del, p.Ala755fs (NM_001379330.1); c.2259_2290del, p.Ala754fs (NM_001379331.1); c.2406_2437del, p.Ala803fs (NM_001379333.1); c.2337_2368del, p.Ala780fs (NM_001379334.1); c.860-1085_860-1054del (NM_001286403.2); short protein forms A755fs, A780fs, A803fs, A754fs, A804fs.
Identifiers: ClinVar variation 2869807 (VCV002869807.2), dbSNP rs2544495876, ClinGen allele CA2739266608.